The following is an entry in ClinVar:

NM_001352514.2(HLCS):c.1275_1283delinsTGAGCACT (p.Val427fs)

Gene: HLCS (holocarboxylase synthetase; minus strand). Cytogenetic location: 21q22.13.
Variant type: Indel.
Coding change: c.1275_1283delinsTGAGCACT on transcript NM_001352514.2 (MANE Select); coding-DNA positions 1275 to 1283, CGAGGTGAA replaced by TGAGCACT.
Protein change: p.Val427fs; shifts the reading frame from valine 427.
Molecular consequence: frameshift variant. On other transcripts: non-coding transcript variant (2).
Genome position (GRCh38, 1-based): chr21:36,936,603-36,936,611, TTCACCTCG replaced by AGTGCTCA on the plus strand (CGAGGTGAA replaced by TGAGCACT on the coding strand, the reverse complement: HLCS is on the minus strand). VCF-style: chr21-36936603-TTCACCTCG-AGTGCTCA. GRCh37 (hg19) VCF-style: chr21-38308903-TTCACCTCG-AGTGCTCA.
Other names: c.834_842delinsTGAGCACT (NM_000411.6); c.834_842delinsTGAGCACT, p.Val280fs (NM_000411.8, NM_001242784.3, NM_001242785.2 and 4 more transcripts); short protein forms V280fs, V427fs.
Identifiers: ClinVar variation 2445684 (VCV002445684.1), dbSNP rs2517576148, ClinGen allele CA2580098665.

ClinVar aggregate classification (germline): Likely pathogenic (1 of 4 stars; one submission).

Conditions:
Holocarboxylase synthetase deficiency. Also called: MULTIPLE CARBOXYLASE DEFICIENCY, EARLY ONSET. Identifiers: Orphanet 79242, MedGen C0268581, MONDO:0009666, OMIM 253270.

Submission:

Women's Health and Genetics/Laboratory Corporation of America, LabCorp
Classification: Likely pathogenic for Holocarboxylase synthetase deficiency. Last evaluated: 2023-02-27. Review status: criteria provided, single submitter. Criteria: LabCorp Variant Classification Summary - May 2015. Collection method: clinical testing. Allele origin: germline.
Comment: Variant summary: HLCS c.834_842delinsTGAGCACT (p.Val280HisfsX6) results in a premature termination codon, predicted to cause a truncation of the encoded protein or absence of the protein due to nonsense mediated decay, which are commonly known mechanisms for disease. Truncations downstream of this position have been classified as pathogenic by our laboratory. The variant was absent in 251198 control chromosomes (gnomAD). To our knowledge, no occurrence of c.834_842delinsTGAGCACT in individuals affected with Holocarboxylase Synthetase Deficiency and no experimental evidence demonstrating its impact on protein function have been reported. No clinical diagnostic laboratories have submitted clinical-significance assessments for this variant to ClinVar after 2014. Based on the evidence outlined above, the variant was classified as likely pathogenic.